The following is an entry in ClinVar:

NM_004629.2(FANCG):c.1468G>A (p.Glu490Lys)

Gene: FANCG (FA complementation group G; minus strand). Cytogenetic location: 9p13.3.
Variant type: single nucleotide variant.
Coding change: c.1468G>A on transcript NM_004629.2 (MANE Select); coding-DNA position 1468, G replaced by A.
Protein change: p.Glu490Lys; replaces glutamic acid 490 with lysine.
Molecular consequence: missense variant.
Genome position (GRCh38, 1-based): chr9:35,075,291, C>T on the plus strand (G>A on the coding strand, the complement: FANCG is on the minus strand). VCF-style: chr9-35075291-C-T. GRCh37 (hg19) VCF-style: chr9-35075288-C-T.
Other names: short protein forms E490K.
Identifiers: ClinVar variation 3848408 (VCV003848408.1).
Genomic context (GRCh38, chr9:35,075,291, plus strand): 5'-CCACTACCACTTCCAGGAGGTAAGAGGAAAACTGAAAGTTTAGATCACCTTGTTCTTTTT[C>T]CTCAGGTGTGGCCCGGAAGAGCAGCTCGAGGCACCTGAAGTAGGACACAGAACAGGGGTG-3'
Protein context (NP_004620.1, residues 480-500): LELLFRATPE[Glu490Lys]KEQGAAFNCE

ClinVar aggregate classification (germline): Uncertain significance (1 of 4 stars; one submission).

Conditions:
Inborn genetic diseases. Identifiers: MedGen C0950123, MeSH D030342.

Submission:

Ambry Genetics
Classification: Uncertain significance for Inborn genetic diseases. Last evaluated: 2025-01-15. Review status: criteria provided, single submitter. Criteria: Ambry Variant Classification Scheme 2023. Collection method: clinical testing. Allele origin: germline.
Comment: The p.E490K variant (also known as c.1468G>A), located in coding exon 11 of the FANCG gene, results from a G to A substitution at nucleotide position 1468. The glutamic acid at codon 490 is replaced by lysine, an amino acid with similar properties. This amino acid position is conserved. In addition, this alteration is predicted to be tolerated by in silico analysis. Based on the available evidence, the clinical significance of this variant remains unclear.